The following is an entry in ClinVar:

ClinVar aggregate classification (germline): Pathogenic (1 of 4 stars; one submission).

Conditions:
Tuberous sclerosis 2 (TSC2). Identifiers: Orphanet 805, MedGen C1860707, MONDO:0013199, OMIM 613254.

Submission:

Labcorp Genetics (formerly Invitae), Labcorp
Classification: Pathogenic for Tuberous sclerosis 2. Last evaluated: 2023-07-07. Review status: criteria provided, single submitter. Criteria: Invitae Variant Classification Sherloc (09022015). Collection method: clinical testing. Allele origin: germline.
Comment: This sequence change creates a premature translational stop signal (p.Ala673Glyfs*30) in the TSC2 gene. It is expected to result in an absent or disrupted protein product. Loss-of-function variants in TSC2 are known to be pathogenic (PMID: 10205261, 17304050). This variant is not present in population databases (gnomAD no frequency). This variant has not been reported in the literature in individuals affected with TSC2-related conditions. For these reasons, this variant has been classified as Pathogenic.

Literature cited by the submitters: PubMed 10205261; PubMed 17304050.

NM_000548.5(TSC2):c.2015dup (p.Ala673fs)

Gene: TSC2 (TSC complex subunit 2; plus strand). Cytogenetic location: 16p13.3.
Variant type: Duplication.
Coding change: c.2015dup on transcript NM_000548.5 (MANE Select); coding-DNA position 2015, one base duplicated (C; older notation c.2015dupC).
Protein change: p.Ala673fs; shifts the reading frame from alanine 673.
Molecular consequence: frameshift variant. On other transcripts: non-coding transcript variant (5).
Genome position (GRCh38, 1-based): chr16:2,071,852, C duplicated; the last of 3 consecutive C bases (chr16:2,071,850-2,071,852); duplicating any one gives the same sequence. VCF-style (leftmost placement, unchanged base first): chr16-2071849-G-GC. GRCh37 (hg19) VCF-style: chr16-2121850-G-GC.
Other names: c.1868dup, p.Ala624fs (NM_001318829.2, NM_001406675.1, NM_001406676.1 and 1 more transcripts); c.1415dup, p.Ala473fs (NM_001318831.2, NM_001406680.1, NM_001406682.1 and 6 more transcripts); c.2048dup, p.Ala684fs (NM_001318832.2); c.2015dup, p.Ala673fs (NM_001363528.2, NM_001370404.1, NM_001370405.1 and 6 more transcripts); c.2105dup, p.Ala703fs (NM_001406667.1, NM_001406668.1); c.1904dup, p.Ala636fs (NM_001318827.2, NM_001406670.1, NM_001406678.1); c.2003dup, p.Ala669fs (NM_001406671.1, NM_001406673.1); c.1958dup, p.Ala654fs (NM_001406677.1); and 3 more; short protein forms A673fs, A225fs, A473fs, A624fs, A654fs, A139fs, A519fs, A636fs.
Identifiers: ClinVar variation 2737143 (VCV002737143.3), dbSNP rs2543700628, ClinGen allele CA2631138607.
Genomic context (GRCh38, chr16:2,071,849, plus strand): 5'-CAGAGAGAGGCTCTGAGAAGAAGACCAGCGGCCCCCTTTCTCCTCCCACAGGGCCTCCTG[G>GC]CCCGGCGCCTGCAGGCCCCGCCGTGCGGCTGGGGTCCGTGCCCTACTCCCTGCTCTTCCG-3'